The following is an entry in ClinVar:

NM_014484.5(MOCS3):c.71T>C (p.Leu24Pro)

Gene: MOCS3 (molybdenum cofactor synthesis 3; plus strand). Cytogenetic location: 20q13.13.
Variant type: single nucleotide variant.
Coding change: c.71T>C on transcript NM_014484.5 (MANE Select); coding-DNA position 71, T replaced by C.
Protein change: p.Leu24Pro; replaces leucine 24 with proline.
Molecular consequence: missense variant.
Genome position (GRCh38, 1-based): chr20:50,958,913, T>C. VCF-style: chr20-50958913-T-C. GRCh37 (hg19) VCF-style: chr20-49575450-T-C.
Other names: short protein forms L24P.
Identifiers: ClinVar variation 3694920 (VCV003694920.2).

ClinVar aggregate classification (germline): Uncertain significance (1 of 4 stars; one submission).

Submission:

Labcorp Genetics (formerly Invitae), Labcorp
Classification: Uncertain significance. Last evaluated: 2024-12-17. Review status: criteria provided, single submitter. Criteria: Invitae Variant Classification Sherloc (09022015). Collection method: clinical testing. Allele origin: germline.
Comment: This sequence change replaces leucine, which is neutral and non-polar, with proline, which is neutral and non-polar, at codon 24 of the MOCS3 protein (p.Leu24Pro). This variant is present in population databases (no rsID available, gnomAD 0.0009%). This variant has not been reported in the literature in individuals affected with MOCS3-related conditions. An algorithm developed to predict the effect of missense changes on protein structure and function (PolyPhen-2) suggests that this variant is likely to be disruptive. In summary, the available evidence is currently insufficient to determine the role of this variant in disease. Therefore, it has been classified as a Variant of Uncertain Significance.